The following is an entry in ClinVar:

NM_002529.4(NTRK1):c.1742A>G (p.Glu581Gly)

Gene: NTRK1 (neurotrophic receptor tyrosine kinase 1; plus strand). Cytogenetic location: 1q23.1.
Variant type: single nucleotide variant.
Coding change: c.1742A>G on transcript NM_002529.4 (MANE Select); coding-DNA position 1742, A replaced by G.
Protein change: p.Glu581Gly; replaces glutamic acid 581 with glycine.
Molecular consequence: missense variant.
Genome position (GRCh38, 1-based): chr1:156,876,509, A>G. VCF-style: chr1-156876509-A-G. GRCh37 (hg19) VCF-style: chr1-156846301-A-G.
Other names: c.1742A>G, p.Glu581Gly (NM_001007204.1); c.1634A>G, p.Glu545Gly (NM_001007792.1); c.1724A>G, p.Glu575Gly (NM_001012331.2); short protein forms E545G, E575G, E581G.
Identifiers: ClinVar variation 1713444 (VCV001713444.3), dbSNP rs765690926, ClinGen allele CA1169457.

ClinVar aggregate classification (germline): Uncertain significance (1 of 4 stars; one submission).

Conditions:
Hereditary insensitivity to pain with anhidrosis (CIPA). Also called: HSAN Type IV; hereditary sensory and autonomic neuropathy type 4; INSENSITIVITY TO PAIN, CONGENITAL, WITH ANHIDROSIS; FAMILIAL DYSAUTONOMIA, TYPE II; NEUROPATHY, CONGENITAL SENSORY, WITH ANHIDROSIS; NTRK1 Congenital Insensitivity to Pain with Anhidrosis. Identifiers: Orphanet 642, MedGen C0020074, MONDO:0009746, OMIM 256800.

Allele frequency attached by ClinVar (database versions not stated): TOPMed below 0.00001; ExAC 0.00001.

Submission:

Labcorp Genetics (formerly Invitae), Labcorp
Classification: Uncertain significance for Hereditary insensitivity to pain with anhidrosis. Last evaluated: 2022-07-23. Review status: criteria provided, single submitter. Criteria: Invitae Variant Classification Sherloc (09022015). Collection method: clinical testing. Allele origin: germline.
Comment: This sequence change replaces glutamic acid, which is acidic and polar, with glycine, which is neutral and non-polar, at codon 575 of the NTRK1 protein (p.Glu575Gly). This variant is present in population databases (rs765690926, gnomAD no frequency). This variant has not been reported in the literature in individuals affected with NTRK1-related conditions. Algorithms developed to predict the effect of missense changes on protein structure and function are either unavailable or do not agree on the potential impact of this missense change (SIFT: "Deleterious"; PolyPhen-2: "Probably Damaging"; Align-GVGD: "Class C15"). In summary, the available evidence is currently insufficient to determine the role of this variant in disease. Therefore, it has been classified as a Variant of Uncertain Significance.